The following is an entry in ClinVar:

ClinVar aggregate classification (germline): Uncertain significance (1 of 4 stars; one submission).

Conditions:
Duchenne muscular dystrophy (DMD). Also called: Duchenne Muscular Dystrophy (DMD); MUSCULAR DYSTROPHY, PSEUDOHYPERTROPHIC PROGRESSIVE, DUCHENNE TYPE. Identifiers: Orphanet 98896, MedGen C0013264, MONDO:0010679, OMIM 310200.

Allele frequency attached by ClinVar (database versions not stated): gnomAD exomes 0.00001; TOPMed 0.00001; gnomAD 0.00001.

Submission:

Labcorp Genetics (formerly Invitae), Labcorp
Classification: Uncertain significance for Duchenne muscular dystrophy. Last evaluated: 2025-06-04. Review status: criteria provided, single submitter. Criteria: Invitae Variant Classification Sherloc (09022015). Collection method: clinical testing. Allele origin: germline.
Comment: This sequence change replaces histidine, which is basic and polar, with tyrosine, which is neutral and polar, at codon 392 of the DMD protein (p.His392Tyr). This variant is not present in population databases (gnomAD no frequency). This variant has not been reported in the literature in individuals affected with DMD-related conditions. ClinVar contains an entry for this variant (Variation ID: 1442127). Invitae Evidence Modeling of protein sequence and biophysical properties (such as structural, functional, and spatial information, amino acid conservation, physicochemical variation, residue mobility, and thermodynamic stability) indicates that this missense variant is not expected to disrupt DMD protein function with a negative predictive value of 95%. In summary, the available evidence is currently insufficient to determine the role of this variant in disease. Therefore, it has been classified as a Variant of Uncertain Significance.

NM_004006.3(DMD):c.1174C>T (p.His392Tyr)

Gene: DMD (dystrophin; minus strand). Cytogenetic location: Xp21.1.
Variant type: single nucleotide variant.
Coding change: c.1174C>T on transcript NM_004006.3 (MANE Select); coding-DNA position 1174, C replaced by T.
Protein change: p.His392Tyr; replaces histidine 392 with tyrosine.
Molecular consequence: missense variant.
Genome position (GRCh38, 1-based): chrX:32,644,289, G>A on the plus strand (C>T on the coding strand, the complement: DMD is on the minus strand). VCF-style: chrX-32644289-G-A. GRCh37 (hg19) VCF-style: chrX-32662406-G-A.
Other names: c.1150C>T, p.His384Tyr (NM_000109.4); c.1162C>T, p.His388Tyr (NM_004009.3); c.805C>T, p.His269Tyr (NM_004010.3); short protein forms H384Y, H388Y, H392Y, H269Y.
Identifiers: ClinVar variation 1442127 (VCV001442127.6), dbSNP rs1430827339, ClinGen allele CA412661384.
Genomic context (GRCh38, chrX:32,644,289, plus strand): 5'-ATTTTCCTGTTCCAATCAGCTTACTTCCCAATTGTAGAATATTACCAACCCGGCCCTGAT[G>A]GGCTGTCAAATCCATCATGTACCCCTGACAAAGAAGGAAGTTAACAATTGTAATTAGAAC-3'
Protein context (NP_003997.2, residues 382-402): HEGYMMDLTA[His392Tyr]QGRVGNILQL